The following is an entry in ClinVar:

NM_030782.5(CLPTM1L):c.114C>T (p.Gly38=)

Gene: CLPTM1L (CLPTM1 like). Cytogenetic location: 5p15.33.
Variant type: single nucleotide variant.
Coding change: c.114C>T on transcript NM_030782.5 (MANE Select); coding-DNA position 114, C replaced by T.
Protein change: p.Gly38=; no amino-acid change (glycine 38 retained).
Molecular consequence: synonymous variant.
Genome position (GRCh38, 1-based): chr5:1,344,728, G>A on the plus strand (C>T on the coding strand, the complement: CLPTM1L is on the minus strand). VCF-style: chr5-1344728-G-A. GRCh37 (hg19) VCF-style: chr5-1344843-G-A.
Other names: NC_000005.9:g.1344843G>A.
Identifiers: ClinVar variation 3050732 (VCV003050732.3), dbSNP rs76174234, ClinGen allele CA3185766.
Genomic context (GRCh38, chr5:1,344,728, plus strand): 5'-GCGGACGCTCACCTGCAGCTTGGGCCGCCGCGCCAGGTAGGGCTGGATGCAGTTGGCGTC[G>A]CCGGAGCACGGGCGGGTGTAGACGATGCCGTACATGACCCAGCAGGTGTGCACCACGTAG-3'
Protein context (NP_110409.2, residues 28-48): YGIVYTRPCS[Gly38=]DANCIQPYLA

ClinVar aggregate classification (germline): Benign (0 of 4 stars; one submission).

Conditions:
CLPTM1L-related disorder. Also called: CLPTM1L-related condition.

Allele frequency attached by ClinVar (database versions not stated): gnomAD 0.00375; ESP Exome Variant Server 0.00379; 1000 Genomes Project 0.00499; 1000 Genomes Project 30x 0.00609.
gnomAD v4.1: 1,115 of 1,596,898 alleles (0.07%); highest among the groups gnomAD compares: African/African-American, 1.4%; 7 homozygotes.

Submissions (3):

PreventionGenetics, part of Exact Sciences
Classification: Benign for CLPTM1L-related condition. Last evaluated: 2019-10-28. Review status: no assertion criteria provided. Collection method: clinical testing. Allele origin: germline.
Comment: This variant is classified as benign based on ACMG/AMP sequence variant interpretation guidelines (Richards et al. 2015 PMID: 25741868, with internal and published modifications).

Dr. Peter K. Rogan Lab, Western University
No classification provided (evidence only). Condition: Uterine corpus endometrial carcinoma. Review status: no classification provided. Collection method: in vitro. Allele origin: not applicable. Functional consequence: retained intron. Not counted in ClinVar's aggregate classification.

Dr. Peter K. Rogan Lab, Western University
No classification provided (evidence only). Condition: Malignant tumor of esophagus. Review status: no classification provided. Collection method: in vitro. Allele origin: not applicable. Functional consequence: retained intron. Not counted in ClinVar's aggregate classification.